The following is an entry in ClinVar:

NM_004304.5(ALK):c.4255G>C (p.Glu1419Gln)

Gene: ALK (ALK receptor tyrosine kinase; minus strand). Cytogenetic location: 2p23.2.
Variant type: single nucleotide variant.
Coding change: c.4255G>C on transcript NM_004304.5 (MANE Select); coding-DNA position 4255, G replaced by C.
Protein change: p.Glu1419Gln; replaces glutamic acid 1419 with glutamine.
Molecular consequence: missense variant.
Genome position (GRCh38, 1-based): chr2:29,193,832, C>G on the plus strand (G>C on the coding strand, the complement: ALK is on the minus strand). VCF-style: chr2-29193832-C-G. GRCh37 (hg19) VCF-style: chr2-29416698-C-G.
Other names: c.1051G>C, p.Glu351Gln (NM_001353765.2); c.4255G>C (NM_004304.4); short protein forms E1419Q, E351Q.
Identifiers: ClinVar variation 1059076 (VCV001059076.10), dbSNP rs56181542, ClinGen allele CA1593608.

ClinVar aggregate classification (germline): Uncertain significance. Review status: criteria provided, multiple submitters, no conflicts (2 of 4 stars). 2 submissions from 2 submitters: Uncertain significance (2). Last evaluated 2025-09-15.

Conditions:
Hereditary cancer-predisposing syndrome. Also called: Tumor predisposition; Neoplastic Syndromes, Hereditary; Hereditary Cancer Syndrome; Hereditary neoplastic syndrome. Identifiers: Orphanet 140162, MedGen C0027672, MeSH D009386, MONDO:0015356.
Neuroblastoma, susceptibility to, 3. Also called: ALK-Related Neuroblastic Tumor Susceptibility. Identifiers: Orphanet 635, MedGen C2751681, MONDO:0013083, OMIM 613014.

gnomAD v4.1: 1 of 1,610,874 alleles (0.000062%); highest among the groups gnomAD compares: Admixed American, 0.0017%; no homozygotes.

Submissions (2):

Ambry Genetics
Classification: Uncertain significance for Hereditary cancer-predisposing syndrome. Last evaluated: 2025-09-15. Review status: criteria provided, single submitter. Criteria: Ambry Variant Classification Scheme 2023. Collection method: clinical testing. Allele origin: germline.
Comment: The p.E1419Q variant (also known as c.4255G>C), located in coding exon 29 of the ALK gene, results from a G to C substitution at nucleotide position 4255. The glutamic acid at codon 1419 is replaced by glutamine, an amino acid with highly similar properties. This amino acid position is not well conserved in available vertebrate species. In addition, this alteration is predicted to be tolerated by in silico analysis. Based on the available evidence, the clinical significance of this variant remains unclear.

Labcorp Genetics (formerly Invitae), Labcorp
Classification: Uncertain significance for Neuroblastoma, susceptibility to, 3. Last evaluated: 2023-02-14. Review status: criteria provided, single submitter. Criteria: Invitae Variant Classification Sherloc (09022015). Collection method: clinical testing. Allele origin: germline.
Comment: This variant has not been reported in the literature in individuals affected with ALK-related conditions. ClinVar contains an entry for this variant (Variation ID: 1059076). Algorithms developed to predict the effect of missense changes on protein structure and function are either unavailable or do not agree on the potential impact of this missense change (SIFT: "Deleterious"; PolyPhen-2: "Benign"; Align-GVGD: "Class C0"). In summary, the available evidence is currently insufficient to determine the role of this variant in disease. Therefore, it has been classified as a Variant of Uncertain Significance. This variant is present in population databases (rs56181542, gnomAD 0.003%). This sequence change replaces glutamic acid, which is acidic and polar, with glutamine, which is neutral and polar, at codon 1419 of the ALK protein (p.Glu1419Gln).